The following is an entry in ClinVar:

ClinVar aggregate classification (germline): Likely benign (0 of 4 stars; one submission).

Conditions:
NPHP4-related disorder. Also called: NPHP4-related disorders; NPHP4-related condition. Identifiers: MedGen CN239384.

Submission:

PreventionGenetics, part of Exact Sciences
Classification: Likely benign for NPHP4-related condition. Last evaluated: 2023-06-05. Review status: no assertion criteria provided. Collection method: clinical testing. Allele origin: germline.
Comment: This variant is classified as likely benign based on ACMG/AMP sequence variant interpretation guidelines (Richards et al. 2015 PMID: 25741868, with internal and published modifications).

NM_015102.5(NPHP4):c.3789T>A (p.Ala1263=)

Gene: NPHP4 (nephrocystin 4; minus strand). Cytogenetic location: 1p36.31.
Variant type: single nucleotide variant.
Coding change: c.3789T>A on transcript NM_015102.5 (MANE Select); coding-DNA position 3789, T replaced by A.
Protein change: p.Ala1263=; no amino-acid change (alanine 1263 retained).
Molecular consequence: synonymous variant. On other transcripts: non-coding transcript variant (1).
Genome position (GRCh38, 1-based): chr1:5,865,129, A>T on the plus strand (T>A on the coding strand, the complement: NPHP4 is on the minus strand). VCF-style: chr1-5865129-A-T. GRCh37 (hg19) VCF-style: chr1-5925189-A-T.
Other names: c.2250T>A, p.Ala750= (NM_001291593.2); c.2253T>A, p.Ala751= (NM_001291594.2).
Identifiers: ClinVar variation 3044819 (VCV003044819.2), dbSNP rs2522693422, ClinGen allele CA415787428.